The following is an entry in ClinVar:

NM_001002295.2(GATA3):c.621C>T (p.Ala207=)

Gene: GATA3 (GATA binding protein 3; plus strand). Cytogenetic location: 10p14.
Variant type: single nucleotide variant.
Coding change: c.621C>T on transcript NM_001002295.2 (MANE Select); coding-DNA position 621, C replaced by T.
Protein change: p.Ala207=; no amino-acid change (alanine 207 retained).
Molecular consequence: synonymous variant.
Genome position (GRCh38, 1-based): chr10:8,058,684, C>T. VCF-style: chr10-8058684-C-T. GRCh37 (hg19) VCF-style: chr10-8100647-C-T.
Other names: p.Ala207=; c.621C>T, p.Ala207= (NM_002051.3).
Identifiers: ClinVar variation 256854 (VCV000256854.16), dbSNP rs2229359, ClinGen allele CA5404414.

ClinVar aggregate classification (germline): Benign/Likely benign. Review status: criteria provided, multiple submitters, no conflicts (2 of 4 stars). 7 submissions from 7 submitters: Benign (6); Likely benign (1). Last evaluated 2026-02-03.

Conditions:
Hypoparathyroidism, deafness, renal disease syndrome (HDRS). Also called: HYPOPARATHYROIDISM, SENSORINEURAL DEAFNESS, AND RENAL DYSPLASIA SYNDROME. Identifiers: Orphanet 2237, MedGen C1840333, MONDO:0007797, OMIM 146255.

Allele frequency attached by ClinVar (database versions not stated): 1000 Genomes Project 0.02037; 1000 Genomes Project 30x 0.02186; TOPMed 0.04139; gnomAD exomes 0.04773 and 0.06435; ExAC 0.04840; gnomAD 0.04922 and 0.05137; ESP Exome Variant Server 0.05497.
gnomAD v4.1: 100,732 of 1,613,182 alleles (6.2%); highest among the groups gnomAD compares: Non-Finnish European, 7.4%; 3,788 homozygotes.

Submissions (7):

Labcorp Genetics (formerly Invitae), Labcorp
Classification: Benign. Last evaluated: 2026-02-03. Review status: criteria provided, single submitter. Criteria: Invitae Variant Classification Sherloc (09022015). Collection method: clinical testing. Allele origin: germline.

Blueprint Genetics
Classification: Likely benign. Last evaluated: 2024-11-27. Review status: criteria provided, single submitter. Criteria: ACMG Guidelines, 2015. Collection method: clinical testing. Allele origin: germline.

Mayo Clinic Laboratories, Mayo Clinic
Classification: Benign. Last evaluated: 2022-05-09. Review status: criteria provided, single submitter. Criteria: ACMG Guidelines, 2015. Collection method: clinical testing. Allele origin: germline. Observed: 38 variant alleles.

Illumina Laboratory Services, Illumina
Classification: Benign for Hypoparathyroidism, deafness, renal disease syndrome. Last evaluated: 2018-01-13. Review status: criteria provided, single submitter. Criteria: ICSL Variant Classification Criteria 13 December 2019. Collection method: clinical testing. Allele origin: germline.
Comment: This variant was observed in the ICSL laboratory as part of a predisposition screen in an ostensibly healthy population. It had not been previously curated by ICSL or reported in the Human Gene Mutation Database (HGMD: prior to June 1st, 2018), and was therefore a candidate for classification through an automated scoring system. Utilizing variant allele frequency, disease prevalence and penetrance estimates, and inheritance mode, an automated score was calculated to assess if this variant is too frequent to cause the disease. Based on the score and internal cut-off values, a variant classified as benign is not then subjected to further curation. The score for this variant resulted in a classification of benign for this disease.

GeneDx
Classification: Benign. Last evaluated: 2017-05-09. Review status: criteria provided, single submitter. Criteria: GeneDx Variant Classification (06012015). Collection method: clinical testing. Allele origin: germline. Affected: yes.
Comment: This variant is considered likely benign or benign based on one or more of the following criteria: it is a conservative change, it occurs at a poorly conserved position in the protein, it is predicted to be benign by multiple in silico algorithms, and/or has population frequency not consistent with disease.

Breakthrough Genomics
Classification: Benign. Review status: criteria provided, single submitter. Criteria: ACMG Guidelines, 2015. Collection method: not provided. Allele origin: germline. Inheritance: Autosomal dominant inheritance. Affected: yes.

PreventionGenetics, part of Exact Sciences
Classification: Benign. Review status: criteria provided, single submitter. Criteria: ACMG Guidelines, 2015. Collection method: clinical testing. Allele origin: germline.